The following is an entry in ClinVar:

NM_005360.5(MAF):c.898G>A (p.Gly300Ser)

Gene: MAF (MAF bZIP transcription factor; minus strand). Cytogenetic location: 16q23.2.
Variant type: single nucleotide variant.
Coding change: c.898G>A on transcript NM_005360.5 (MANE Select); coding-DNA position 898, G replaced by A.
Protein change: p.Gly300Ser; replaces glycine 300 with serine.
Molecular consequence: missense variant.
Genome position (GRCh38, 1-based): chr16:79,599,005, C>T on the plus strand (G>A on the coding strand, the complement: MAF is on the minus strand). VCF-style: chr16-79599005-C-T. GRCh37 (hg19) VCF-style: chr16-79632902-C-T.
Other names: c.898G>A, p.Gly300Ser (NM_001031804.3); short protein forms G300S.
Identifiers: ClinVar variation 1311969 (VCV001311969.2), dbSNP rs2143800672, ClinGen allele CA396534999.

ClinVar aggregate classification (germline): Uncertain significance (1 of 4 stars; one submission).

Submission:

GeneDx
Classification: Uncertain significance. Last evaluated: 2020-02-05. Review status: criteria provided, single submitter. Criteria: GeneDx Variant Classification Process June 2021. Collection method: clinical testing. Allele origin: germline. Affected: yes.
Comment: Not observed in large population cohorts (Lek et al., 2016); In silico analysis supports that this missense variant has a deleterious effect on protein structure/function; Has not been previously published as pathogenic or benign to our knowledge